The following is an entry in ClinVar:

NM_000218.3(KCNQ1):c.759C>T (p.Ser253=)

Gene: KCNQ1 (potassium voltage-gated channel subfamily Q member 1; plus strand). Cytogenetic location: 11p15.5.
Variant type: single nucleotide variant.
Coding change: c.759C>T on transcript NM_000218.3 (MANE Select); coding-DNA position 759, C replaced by T.
Protein change: p.Ser253=; no amino-acid change (serine 253 retained).
Molecular consequence: synonymous variant. On other transcripts: intron variant (1).
Genome position (GRCh38, 1-based): chr11:2,572,088, C>T. VCF-style: chr11-2572088-C-T. GRCh37 (hg19) VCF-style: chr11-2593318-C-T.
Other names: c.759C>T, p.Ser253= (NM_001406836.1); c.489C>T, p.Ser163= (NM_001406837.1); c.378C>T, p.Ser126= (NM_181798.2); c.478-11347C>T (NM_001406838.1).
Identifiers: ClinVar variation 289705 (VCV000289705.23), dbSNP rs752457145, ClinGen allele CA040285.
Genomic context (GRCh38, chr11:2,572,088, plus strand): 5'-GCAGATCCTGAGGATGCTACACGTCGACCGCCAGGGAGGCACCTGGAGGCTCCTGGGCTC[C>T]GTGGTCTTCATCCACCGCCAGGTGGGTGGCCCGGGTTAGGGGTGCGGGGCCCAGGTTGGG-3'
Protein context (NP_000209.2, residues 243-263): RQGGTWRLLG[Ser253=]VVFIHRQELI

ClinVar aggregate classification (germline): Conflicting classifications of pathogenicity. Review status: criteria provided, conflicting classifications (1 of 4 stars). 6 submissions from 6 submitters: Uncertain significance (1); Likely benign (5). Last evaluated 2025-12-17.

Conditions:
Cardiovascular phenotype. Identifiers: MedGen CN230736.
Cardiac arrhythmia. Also called: Arrhythmia; Cardiac rhythm disease. Identifiers: MedGen C0003811, MONDO:0007263, HP:0011675.
Long QT syndrome (LQTS). Identifiers: MedGen C0023976, MeSH D008133, MONDO:0002442. Disease mechanism: loss of function. Inheritance: Various modes of inheritance.

Allele frequency attached by ClinVar (database versions not stated): gnomAD exomes 0.00001; ExAC 0.00002; gnomAD 0.00012 and 0.00013; TOPMed 0.00012.
gnomAD v4.1: 40 of 1,612,390 alleles (0.0025%); highest among the groups gnomAD compares: African/African-American, 0.025%; no homozygotes.

Submissions (6):

Labcorp Genetics (formerly Invitae), Labcorp
Classification: Likely benign for Long QT syndrome. Last evaluated: 2025-12-17. Review status: criteria provided, single submitter. Criteria: Invitae Variant Classification Sherloc (09022015). Collection method: clinical testing. Allele origin: germline.

All of Us Research Program, National Institutes of Health
Classification: Likely benign for Long QT syndrome. Last evaluated: 2023-10-23. Review status: criteria provided, single submitter. Criteria: ACMG Guidelines, 2015. Collection method: clinical testing. Allele origin: germline. Inheritance: Autosomal dominant inheritance. Observed: 9 variant alleles, 9 heterozygotes.
Comment: This study involves interpretation of variants in research participants for the purpose of population health screening. Participant phenotype was not available at the time of variant classification. Additional details can be found in publication PMID: 35346344, PMCID: PMC8962531

Color Diagnostics, LLC DBA Color Health
Classification: Likely benign for Cardiac arrhythmia. Last evaluated: 2021-06-28. Review status: criteria provided, single submitter. Criteria: ACMG Guidelines, 2015. Collection method: clinical testing. Allele origin: germline.

GeneDx
Classification: Likely benign. Last evaluated: 2021-05-18. Review status: criteria provided, single submitter. Criteria: GeneDx Variant Classification Process June 2021. Collection method: clinical testing. Allele origin: germline. Affected: yes.

Ambry Genetics
Classification: Likely benign for Cardiovascular phenotype. Last evaluated: 2020-02-13. Review status: criteria provided, single submitter. Criteria: Ambry Variant Classification Scheme 2023. Collection method: clinical testing. Allele origin: germline.

Eurofins Ntd Llc (ga)
Classification: Uncertain significance. Last evaluated: 2016-08-01. Review status: criteria provided, single submitter. Criteria: EGL Classification Definitions 2015. Collection method: clinical testing. Allele origin: germline. Observed: 1 variant allele, 1 heterozygote.